The following is an entry in ClinVar:

ClinVar aggregate classification (germline): Likely pathogenic. Review status: criteria provided, single submitter (1 of 4 stars). 2 submissions from 2 submitters: Likely pathogenic (1). 1 of the submissions does not count toward it. Last evaluated 2024-06-01.

Submissions (2):

Labcorp Genetics (formerly Invitae), Labcorp
Classification: Likely pathogenic. Last evaluated: 2024-06-01. Review status: criteria provided, single submitter. Criteria: Invitae Variant Classification Sherloc (09022015). Collection method: clinical testing. Allele origin: germline.
Comment: This sequence change replaces arginine, which is basic and polar, with leucine, which is neutral and non-polar, at codon 466 of the SERPING1 protein (p.Arg466Leu). This variant is not present in population databases (gnomAD no frequency). This missense change has been observed in individuals with autosomal dominant hereditary angioedema (PMID: 1451784, 35821062; Invitae). This variant is also known as p.Arg444Leu. ClinVar contains an entry for this variant (Variation ID: 68247). Advanced modeling of protein sequence and biophysical properties (such as structural, functional, and spatial information, amino acid conservation, physicochemical variation, residue mobility, and thermodynamic stability) has been performed at Invitae for this missense variant, however the output from this modeling did not meet the statistical confidence thresholds required to predict the impact of this variant on SERPING1 protein function. This variant disrupts the p.Arg466 amino acid residue in SERPING1. Other variant(s) that disrupt this residue have been determined to be pathogenic (PMID: 2563376, 18586324, 18758157, 23437219, 26812872). This suggests that this residue is clinically significant, and that variants that disrupt this residue are likely to be disease-causing. In summary, the currently available evidence indicates that the variant is pathogenic, but additional data are needed to prove that conclusively. Therefore, this variant has been classified as Likely Pathogenic.

UniProtKB/Swiss-Prot
No classification provided. Review status: no classification provided. Collection method: not provided. Allele origin: not provided. Not counted in ClinVar's aggregate classification.

Literature cited by the submitters: PubMed 1451784 (cited by Labcorp Genetics (formerly Invitae), Labcorp); PubMed 35821062 (cited by Labcorp Genetics (formerly Invitae), Labcorp); PubMed 2563376 (cited by Labcorp Genetics (formerly Invitae), Labcorp); PubMed 18586324 (cited by Labcorp Genetics (formerly Invitae), Labcorp); PubMed 18758157 (cited by Labcorp Genetics (formerly Invitae), Labcorp); PubMed 23437219 (cited by Labcorp Genetics (formerly Invitae), Labcorp); PubMed 26812872 (cited by Labcorp Genetics (formerly Invitae), Labcorp).

NM_000062.3(SERPING1):c.1397G>T (p.Arg466Leu)

Gene: SERPING1 (serpin family G member 1; plus strand). Cytogenetic location: 11q12.1.
Variant type: single nucleotide variant.
Coding change: c.1397G>T on transcript NM_000062.3 (MANE Select); coding-DNA position 1397, G replaced by T.
Protein change: p.Arg466Leu; replaces arginine 466 with leucine.
Molecular consequence: missense variant.
Genome position (GRCh38, 1-based): chr11:57,614,475, G>T. VCF-style: chr11-57614475-G-T. GRCh37 (hg19) VCF-style: chr11-57381948-G-T.
Other names: c.1397G>T, p.Arg466Leu (NM_001032295.2); short protein forms R466L.
Identifiers: ClinVar variation 68247 (VCV000068247.6), dbSNP rs121907948, ClinGen allele CA219255.